The following is an entry in ClinVar:

ClinVar aggregate classification (germline): Conflicting classifications of pathogenicity. Review status: criteria provided, conflicting classifications (1 of 4 stars). 4 submissions from 4 submitters: Uncertain significance (2); Benign (1). 1 of the submissions does not count toward it. Last evaluated 2026-01-27.

Conditions:
NOTCH1-related disorder. Also called: NOTCH1-related disorders; NOTCH1-related condition.
Adams-Oliver syndrome 5 (AOS5). Identifiers: Orphanet 974, MedGen C4014970, MONDO:0014459, OMIM 616028.

Allele frequency attached by ClinVar (database versions not stated): gnomAD exomes 0.00001; ExAC 0.00002; gnomAD 0.00003; TOPMed 0.00006; 1000 Genomes Project 30x 0.00016.
gnomAD v4.1: 9 of 1,607,316 alleles (0.00056%); highest among the groups gnomAD compares: African/African-American, 0.0067%; no homozygotes.

Submissions (4):

Labcorp Genetics (formerly Invitae), Labcorp
Classification: Benign for Adams-Oliver syndrome 5. Last evaluated: 2026-01-27. Review status: criteria provided, single submitter. Criteria: Invitae Variant Classification Sherloc (09022015). Collection method: clinical testing. Allele origin: germline.

Women's Health and Genetics/Laboratory Corporation of America, LabCorp
Classification: Uncertain significance. Last evaluated: 2024-02-12. Review status: criteria provided, single submitter. Criteria: LabCorp Variant Classification Summary - May 2015. Collection method: clinical testing. Allele origin: germline.
Comment: Variant summary: NOTCH1 c.6377G>C (p.Gly2126Ala) results in a non-conservative amino acid change in the encoded protein sequence. Four of five in-silico tools predict a benign effect of the variant on protein function. The variant allele was found at a frequency of 1.3e-05 in 239998 control chromosomes, predominantly at a frequency of 0.0002 within the African or African-American subpopulation in the gnomAD database. The available data on variant occurrences in the general population are insufficient to allow any conclusion about variant significance. c.6377G>C has been reported in the literature in at least one heterozygous individual with bicuspid aortic valve and ascending aortic aneurysm (Lewis_2022). However, this report does not provide unequivocal conclusions about association of the variant with Aortic Valve Disease 1, due to a co-occurrence with a pathogenic variant (FMR1 repeat expansion, 350 CGG repeats), which provides supporting evidence for a benign role. To our knowledge, no experimental evidence demonstrating an impact on protein function has been reported. ClinVar contains an entry for this variant (Variation ID: 1306285). Based on the evidence outlined above, the variant was classified as uncertain significance.

GeneDx
Classification: Uncertain significance. Last evaluated: 2021-02-18. Review status: criteria provided, single submitter. Criteria: GeneDx Variant Classification Process June 2021. Collection method: clinical testing. Allele origin: germline. Affected: yes.
Comment: Has not been previously published as pathogenic or benign to our knowledge; Not observed at a significant frequency in large population cohorts (Lek et al., 2016); In silico analysis supports that this missense variant does not alter protein structure/function

PreventionGenetics, part of Exact Sciences
Classification: Uncertain significance for NOTCH1-related condition. Last evaluated: 2023-12-06. Review status: no assertion criteria provided. Collection method: clinical testing. Allele origin: germline. Not counted in ClinVar's aggregate classification.
Comment: The NOTCH1 c.6377G>C variant is predicted to result in the amino acid substitution p.Gly2126Ala. This variant is reported in 0.020% of alleles in individuals of African descent in gnomAD. Although we suspect that this variant may be benign, at this time, the clinical significance of this variant is uncertain due to the absence of conclusive functional and genetic evidence.

Literature cited by the submitters: PubMed 24943832 (cited by Women's Health and Genetics/Laboratory Corporation of America, LabCorp); PubMed 16614245 (cited by Women's Health and Genetics/Laboratory Corporation of America, LabCorp); PubMed 21670202 (cited by Women's Health and Genetics/Laboratory Corporation of America, LabCorp); PubMed 22210878 (cited by Women's Health and Genetics/Laboratory Corporation of America, LabCorp); PubMed 19635999 (cited by Women's Health and Genetics/Laboratory Corporation of America, LabCorp); PubMed 26837699 (cited by Women's Health and Genetics/Laboratory Corporation of America, LabCorp); PubMed 23086750 (cited by Women's Health and Genetics/Laboratory Corporation of America, LabCorp); PubMed 19245433 (cited by Women's Health and Genetics/Laboratory Corporation of America, LabCorp); PubMed 22077063 (cited by Women's Health and Genetics/Laboratory Corporation of America, LabCorp); PubMed 15472075 (cited by Women's Health and Genetics/Laboratory Corporation of America, LabCorp); PubMed 23734977 (cited by Women's Health and Genetics/Laboratory Corporation of America, LabCorp); PubMed 22858860 (cited by Women's Health and Genetics/Laboratory Corporation of America, LabCorp); PubMed 36140728 (cited by Women's Health and Genetics/Laboratory Corporation of America, LabCorp).

NM_017617.5(NOTCH1):c.6377G>C (p.Gly2126Ala)

Gene: NOTCH1 (notch receptor 1; minus strand). Cytogenetic location: 9q34.3.
Variant type: single nucleotide variant.
Coding change: c.6377G>C on transcript NM_017617.5 (MANE Select); coding-DNA position 6377, G replaced by C.
Protein change: p.Gly2126Ala; replaces glycine 2126 with alanine.
Molecular consequence: missense variant.
Genome position (GRCh38, 1-based): chr9:136,497,362, C>G on the plus strand (G>C on the coding strand, the complement: NOTCH1 is on the minus strand). VCF-style: chr9-136497362-C-G. GRCh37 (hg19) VCF-style: chr9-139391814-C-G.
Other names: c.6377G>C (NM_017617.4); short protein forms G2126A.
Identifiers: ClinVar variation 1306285 (VCV001306285.8), dbSNP rs776496915, ClinGen allele CA5339917.